The following is an entry in ClinVar:

NM_005612.5(REST):c.2087C>T (p.Thr696Met)

Gene: REST (RE1 silencing transcription factor; plus strand). Cytogenetic location: 4q12.
Variant type: single nucleotide variant.
Coding change: c.2087C>T on transcript NM_005612.5 (MANE Select); coding-DNA position 2087, C replaced by T.
Protein change: p.Thr696Met; replaces threonine 696 with methionine.
Molecular consequence: missense variant.
Genome position (GRCh38, 1-based): chr4:56,930,945, C>T. VCF-style: chr4-56930945-C-T. GRCh37 (hg19) VCF-style: chr4-57797111-C-T.
Other names: c.2087C>T, p.Thr696Met (NM_001193508.2, NM_001363453.3); c.2087C>T (NM_005612.4); short protein forms T696M.
Identifiers: ClinVar variation 1064049 (VCV001064049.10), dbSNP rs780817845, ClinGen allele CA2932404.

ClinVar aggregate classification (germline): Uncertain significance. Review status: criteria provided, multiple submitters, no conflicts (2 of 4 stars). 2 submissions from 2 submitters: Uncertain significance (2). Last evaluated 2026-09-14.

Conditions:
REST-related disorder. Also called: REST-related condition.

Allele frequency attached by ClinVar (database versions not stated): gnomAD 0.00001; ExAC 0.00002; gnomAD exomes 0.00003 and 0.00004; TOPMed 0.00004.
gnomAD v4.1: 60 of 1,612,578 alleles (0.0037%); highest among the groups gnomAD compares: South Asian, 0.0088%; no homozygotes.

Submissions (2):

PreventionGenetics, part of Exact Sciences
Classification: Uncertain significance for REST-related condition. Last evaluated: 2026-09-14. Review status: criteria provided, single submitter. Criteria: ACMG Guidelines, 2015. Collection method: clinical testing. Allele origin: germline.
Comment: The REST c.2087C>T variant is predicted to result in the amino acid substitution p.Thr696Met. To our knowledge, this variant has not been reported in the literature. This variant is reported in 0.013% of alleles in individuals of South Asian descent in gnomAD. At this time, the clinical significance of this variant is uncertain due to the absence of conclusive functional and genetic evidence.

Labcorp Genetics (formerly Invitae), Labcorp
Classification: Uncertain significance. Last evaluated: 2025-06-16. Review status: criteria provided, single submitter. Criteria: Invitae Variant Classification Sherloc (09022015). Collection method: clinical testing. Allele origin: germline.
Comment: This sequence change replaces threonine, which is neutral and polar, with methionine, which is neutral and non-polar, at codon 696 of the REST protein (p.Thr696Met). This variant is present in population databases (rs780817845, gnomAD 0.01%). This variant has not been reported in the literature in individuals affected with REST-related conditions. ClinVar contains an entry for this variant (Variation ID: 1064049). An algorithm developed to predict the effect of missense changes on protein structure and function outputs the following: PolyPhen-2: "Benign". The methionine amino acid residue is found in multiple mammalian species, which suggests that this missense change does not adversely affect protein function. In summary, the available evidence is currently insufficient to determine the role of this variant in disease. Therefore, it has been classified as a Variant of Uncertain Significance.